The following is an entry in ClinVar:

ClinVar aggregate classification (germline): Conflicting classifications of pathogenicity. Review status: criteria provided, conflicting classifications (1 of 4 stars). 6 submissions from 5 submitters: Uncertain significance (4); Likely benign (2). Last evaluated 2026-10-20.

Conditions:
Ehlers-Danlos syndrome, classic type, 2 (EDSCL2). Also called: Ehlers-Danlos syndrome type 2 (formerly); Ehlers-Danlos syndrome, type 2; Ehlers-Danlos Syndrome, Classic Type, COL5A2-Related. Identifiers: Orphanet 287, Orphanet 90318, MedGen C0268336, MONDO:0019568, OMIM 130010.
Ehlers-Danlos syndrome, classic type, 1 (EDSCL1). Also called: Ehlers-Danlos syndrome, type 1; Ehlers-Danlos Syndrome, Classic Type, COL5A1-Related; EHLERS-DANLOS SYNDROME, GRAVIS TYPE; EHLERS-DANLOS SYNDROME, SEVERE CLASSIC TYPE; EDS I. Identifiers: MedGen C0268335, MONDO:0019567, OMIM 130000.
Ehlers-Danlos syndrome, classic type (cEDS). Identifiers: Orphanet 287, MedGen C4225429, MONDO:0007522.
Familial thoracic aortic aneurysm and aortic dissection (TAAD). Also called: Thoracic aortic aneurysms and dissections. Identifiers: Orphanet 91387, MedGen C4707243, MONDO:0019625.

Allele frequency attached by ClinVar (database versions not stated): TOPMed 0.00005; gnomAD exomes 0.00010 and 0.00002; ExAC 0.00007; gnomAD 0.00002.
gnomAD v4.1: 25 of 1,613,910 alleles (0.0015%); highest among the groups gnomAD compares: East Asian, 0.036%; no homozygotes.

Submissions (6):

GeneDx
Classification: Uncertain significance. Last evaluated: 2026-10-20. Review status: criteria provided, single submitter. Criteria: GeneDx Variant Classification Process June 2021. Collection method: clinical testing. Allele origin: germline.
Comment: In silico analysis supports that this missense variant has a deleterious effect on protein structure/function; Has not been previously published as pathogenic or benign to our knowledge

Labcorp Genetics (formerly Invitae), Labcorp
Classification: Likely benign for Ehlers-Danlos syndrome, classic type, 1. Last evaluated: 2026-01-19. Review status: criteria provided, single submitter. Criteria: Invitae Variant Classification Sherloc (09022015). Collection method: clinical testing. Allele origin: germline.

Ambry Genetics
Classification: Uncertain significance for Familial thoracic aortic aneurysm and aortic dissection. Last evaluated: 2025-04-15. Review status: criteria provided, single submitter. Criteria: Ambry Variant Classification Scheme 2023. Collection method: clinical testing. Allele origin: germline.
Comment: The p.P961L variant (also known as c.2882C>T), located in coding exon 42 of the COL5A2 gene, results from a C to T substitution at nucleotide position 2882. The proline at codon 961 is replaced by leucine, an amino acid with similar properties. This amino acid position is highly conserved in available vertebrate species. In addition, this alteration is predicted to be deleterious by in silico analysis. Since supporting evidence is limited at this time, the clinical significance of this alteration remains unclear.

Women's Health and Genetics/Laboratory Corporation of America, LabCorp
Classification: Likely benign. Last evaluated: 2023-07-21. Review status: criteria provided, single submitter. Criteria: LabCorp Variant Classification Summary - May 2015. Collection method: clinical testing. Allele origin: germline.

Center for Genomics, Ann and Robert H. Lurie Children's Hospital of Chicago
Classification: Uncertain significance for Ehlers-Danlos syndrome, classic type, 2. Last evaluated: 2021-03-30. Review status: criteria provided, single submitter. Criteria: ACMG Guidelines, 2015. Collection method: clinical testing. Allele origin: germline.
Comment: COL5A2 NM_000393.4 exon 42 p.Pro961Leu (c.2882C>T): This variant has not been reported in the literature but is present in 0.09% (19/19942) of East Asian alleles in the Genome Aggregation Database. This variant is present in ClinVar (Variation ID:519663). Evolutionary conservation and computational predictive tools suggest that this variant may impact the protein. In summary, data on this variant is insufficient for disease classification. Therefore, the clinical significance of this variant is uncertain.

Center for Genomics, Ann and Robert H. Lurie Children's Hospital of Chicago
Classification: Uncertain significance for Ehlers-Danlos syndrome, classic type, 1. Last evaluated: 2020-09-21. Review status: criteria provided, single submitter. Criteria: ACMG Guidelines, 2015. Collection method: clinical testing. Allele origin: germline.
Comment: the same text as in the submission from Center for Genomics, Ann and Robert H. Lurie Children's Hospital of Chicago above.

NM_000393.5(COL5A2):c.2882C>T (p.Pro961Leu)

Gene: COL5A2 (collagen type V alpha 2 chain; minus strand). Cytogenetic location: 2q32.2.
Variant type: single nucleotide variant.
Coding change: c.2882C>T on transcript NM_000393.5 (MANE Select); coding-DNA position 2882, C replaced by T.
Protein change: p.Pro961Leu; replaces proline 961 with leucine.
Molecular consequence: missense variant.
Genome position (GRCh38, 1-based): chr2:189,051,369, G>A on the plus strand (C>T on the coding strand, the complement: COL5A2 is on the minus strand). VCF-style: chr2-189051369-G-A. GRCh37 (hg19) VCF-style: chr2-189916095-G-A.
Other names: c.2882C>T (NM_000393.4); short protein forms P961L.
Identifiers: ClinVar variation 519663 (VCV000519663.26), dbSNP rs778835151, ClinGen allele CA2022159.